The following is an entry in ClinVar:

ClinVar aggregate classification (germline): Uncertain significance (1 of 4 stars; one submission).

Submission:

GeneDx
Classification: Uncertain significance. Last evaluated: 2024-10-30. Review status: criteria provided, single submitter. Criteria: GeneDx Variant Classification Process June 2021. Collection method: clinical testing. Allele origin: germline. Affected: yes.
Comment: Not observed at significant frequency in large population cohorts (gnomAD); In silico analysis indicates that this missense variant does not alter protein structure/function; Has not been previously published as pathogenic or benign to our knowledge

NM_032237.5(POMK):c.580C>A (p.His194Asn)

Gene: POMK (protein O-mannose kinase; plus strand). Cytogenetic location: 8p11.21.
Variant type: single nucleotide variant.
Coding change: c.580C>A on transcript NM_032237.5 (MANE Select); coding-DNA position 580, C replaced by A.
Protein change: p.His194Asn; replaces histidine 194 with asparagine.
Molecular consequence: missense variant.
Genome position (GRCh38, 1-based): chr8:43,122,404, C>A. VCF-style: chr8-43122404-C-A. GRCh37 (hg19) VCF-style: chr8-42977547-C-A.
Other names: c.580C>A, p.His194Asn (NM_001277971.2); short protein forms H194N.
Identifiers: ClinVar variation 3897359 (VCV003897359.1).